The following is an entry in ClinVar:

NM_004415.4(DSP):c.12C>T (p.Asn4=)

Genes: DSP (desmoplakin; plus strand), DSP-AS1 (DSP antisense RNA 1; minus strand). Cytogenetic location: 6p24.3.
Variant type: single nucleotide variant.
Coding change: c.12C>T on transcript NM_004415.4 (MANE Select); coding-DNA position 12, C replaced by T.
Protein change: p.Asn4=; no amino-acid change (asparagine 4 retained).
Molecular consequence: synonymous variant.
Genome position (GRCh38, 1-based): chr6:7,541,927, C>T. VCF-style: chr6-7541927-C-T. GRCh37 (hg19) VCF-style: chr6-7542160-C-T.
Other names: p.Asn4=; c.12C>T (LRG_423t1, NM_004415.3); c.12C>T, p.Asn4= (NM_001008844.3, NM_001319034.2).
Identifiers: ClinVar variation 377806 (VCV000377806.26), dbSNP rs368802003, ClinGen allele CA027648.

ClinVar aggregate classification (germline): Likely benign. Review status: criteria provided, multiple submitters, no conflicts (2 of 4 stars). 8 submissions from 8 submitters: Likely benign (8). Last evaluated 2026-06-16.

Conditions:
Arrhythmogenic right ventricular dysplasia 8 (ARVD8). Also called: ARRHYTHMOGENIC RIGHT VENTRICULAR CARDIOMYOPATHY 8; ARRHYTHMOGENIC RIGHT VENTRICULAR DYSPLASIA, FAMILIAL, 8; Arrhythmogenic Right Ventricular Dysplasia/Cardiomyopathy 8. Identifiers: MedGen C1843896, MONDO:0011831, OMIM 607450.
Arrhythmogenic cardiomyopathy with wooly hair and keratoderma. Also called: Carvajal syndrome; PALMOPLANTAR KERATODERMA WITH LEFT VENTRICULAR CARDIOMYOPATHY AND WOOLLY HAIR; Arrhythmogenic cardiomyopathy with woolly hair and keratoderma; Dilated cardiomyopathy with woolly hair and keratoderma. Identifiers: Orphanet 65282, MedGen C1854063, MONDO:0011581, OMIM 605676.
Cardiomyopathy (CMYO). Also called: Cardiomyopathies. Identifiers: Orphanet 167848, MedGen C0878544, MONDO:0004994, HP:0001638. Inheritance: Various modes of inheritance.
DSP-related disorder. Also called: DSP-related disorders; DSP-related condition.
Cardiovascular phenotype. Identifiers: MedGen CN230736.

Allele frequency attached by ClinVar (database versions not stated): TOPMed 0.00011; ESP Exome Variant Server 0.00016.

Submissions (8):

Women's Health and Genetics/Laboratory Corporation of America, LabCorp
Classification: Likely benign. Last evaluated: 2026-06-16. Review status: criteria provided, single submitter. Criteria: LabCorp Variant Classification Summary - May 2015. Collection method: clinical testing. Allele origin: germline.

Labcorp Genetics (formerly Invitae), Labcorp
Classification: Likely benign for Arrhythmogenic cardiomyopathy with wooly hair and keratoderma; Arrhythmogenic right ventricular dysplasia 8. Last evaluated: 2026-01-19. Review status: criteria provided, single submitter. Criteria: Invitae Variant Classification Sherloc (09022015). Collection method: clinical testing. Allele origin: germline.

PreventionGenetics, part of Exact Sciences
Classification: Likely benign for DSP-related condition. Last evaluated: 2025-07-30. Review status: criteria provided, single submitter. Criteria: ACMG Guidelines, 2015. Collection method: clinical testing. Allele origin: germline.
Comment: This variant is classified as likely benign based on ACMG/AMP sequence variant interpretation guidelines (Richards et al. 2015 PMID: 25741868, with internal and published modifications).

Mayo Clinic Laboratories, Mayo Clinic
Classification: Likely benign. Last evaluated: 2025-07-26. Review status: criteria provided, single submitter. Criteria: ACMG Guidelines, 2015. Collection method: clinical testing. Allele origin: germline. Observed: 3 variant alleles.
Comment: BP4, BP7

All of Us Research Program, National Institutes of Health
Classification: Likely benign for Arrhythmogenic cardiomyopathy with wooly hair and keratoderma. Last evaluated: 2024-05-14. Review status: criteria provided, single submitter. Criteria: ACMG Guidelines, 2015. Collection method: clinical testing. Allele origin: germline. Inheritance: Autosomal dominant inheritance. Observed: 4 variant alleles, 4 heterozygotes.
Comment: This study involves interpretation of variants in research participants for the purpose of population health screening. Participant phenotype was not available at the time of variant classification. Additional details can be found in publication PMID: 35346344, PMCID: PMC8962531

GeneDx
Classification: Likely benign. Last evaluated: 2019-10-02. Review status: criteria provided, single submitter. Criteria: GeneDx Variant Classification Process June 2021. Collection method: clinical testing. Allele origin: germline. Affected: yes.

Color Diagnostics, LLC DBA Color Health
Classification: Likely benign for Cardiomyopathy. Last evaluated: 2019-06-26. Review status: criteria provided, single submitter. Criteria: ACMG Guidelines, 2015. Collection method: clinical testing. Allele origin: germline.

Ambry Genetics
Classification: Likely benign for Cardiovascular phenotype. Last evaluated: 2017-07-13. Review status: criteria provided, single submitter. Criteria: Ambry Variant Classification Scheme 2023. Collection method: clinical testing. Allele origin: germline.